The following is an entry in ClinVar:

NM_000057.4(BLM):c.2307+1G>A

Gene: BLM (BLM RecQ like helicase; plus strand). Cytogenetic location: 15q26.1.
Variant type: single nucleotide variant.
Coding change: c.2307+1G>A on transcript NM_000057.4 (MANE Select); the canonical splice donor site of the intron after coding-DNA position 2307, G replaced by A.
Molecular consequence: splice donor variant.
Genome position (GRCh38, 1-based): chr15:90,767,024, G>A. VCF-style: chr15-90767024-G-A. GRCh37 (hg19) VCF-style: chr15-91310254-G-A.
Other names: c.1182+1G>A (NM_001287248.2); c.2307+1G>A (NM_001287246.2, NM_001287247.2).
Identifiers: ClinVar variation 2701904 (VCV002701904.3), dbSNP rs2505447704, ClinGen allele CA393845008.

ClinVar aggregate classification (germline): Likely pathogenic (1 of 4 stars; one submission).

Conditions:
Bloom syndrome (BLM). Also called: Bloom-Torre-Machacek syndrome. Identifiers: Orphanet 125, MedGen C0005859, MONDO:0008876, OMIM 210900.

Submission:

Labcorp Genetics (formerly Invitae), Labcorp
Classification: Likely pathogenic for Bloom syndrome. Last evaluated: 2023-12-09. Review status: criteria provided, single submitter. Criteria: Invitae Variant Classification Sherloc (09022015). Collection method: clinical testing. Allele origin: germline.
Comment: This sequence change affects a donor splice site in intron 10 of the BLM gene. It is expected to disrupt RNA splicing. Variants that disrupt the donor or acceptor splice site typically lead to a loss of protein function (PMID: 16199547), and loss-of-function variants in BLM are known to be pathogenic (PMID: 17407155). This variant is not present in population databases (gnomAD no frequency). This variant has not been reported in the literature in individuals affected with BLM-related conditions. Algorithms developed to predict the effect of sequence changes on RNA splicing suggest that this variant may disrupt the consensus splice site. In summary, the currently available evidence indicates that the variant is pathogenic, but additional data are needed to prove that conclusively. Therefore, this variant has been classified as Likely Pathogenic.

Literature cited by the submitters: PubMed 16199547; PubMed 17407155.